The following is an entry in ClinVar:

ClinVar aggregate classification (germline): Uncertain significance (1 of 4 stars; one submission).

Conditions:
Peroxisome biogenesis disorder 12A (Zellweger). Also called: Peroxisome biogenesis disorder 12A. Identifiers: Orphanet 912, MedGen C3554002, MONDO:0013951, OMIM 614886.

gnomAD v4.1: 2 of 1,613,966 alleles (0.00012%); highest among the groups gnomAD compares: Admixed American, 0.0033%; no homozygotes.

Submission:

Labcorp Genetics (formerly Invitae), Labcorp
Classification: Uncertain significance for Peroxisome biogenesis disorder 12A (Zellweger). Last evaluated: 2022-02-24. Review status: criteria provided, single submitter. Criteria: Invitae Variant Classification Sherloc (09022015). Collection method: clinical testing. Allele origin: germline.
Comment: In summary, the available evidence is currently insufficient to determine the role of this variant in disease. Therefore, it has been classified as a Variant of Uncertain Significance. Algorithms developed to predict the effect of missense changes on protein structure and function are either unavailable or do not agree on the potential impact of this missense change (SIFT: "Tolerated"; PolyPhen-2: "Probably Damaging"; Align-GVGD: "Class C0"). This variant has not been reported in the literature in individuals affected with PEX19-related conditions. This variant is present in population databases (no rsID available, gnomAD 0.003%). This sequence change replaces threonine, which is neutral and polar, with arginine, which is basic and polar, at codon 132 of the PEX19 protein (p.Thr132Arg).

NM_002857.4(PEX19):c.395C>G (p.Thr132Arg)

Gene: PEX19 (peroxisomal biogenesis factor 19; minus strand). Cytogenetic location: 1q23.2.
Variant type: single nucleotide variant.
Coding change: c.395C>G on transcript NM_002857.4 (MANE Select); coding-DNA position 395, C replaced by G.
Protein change: p.Thr132Arg; replaces threonine 132 with arginine.
Molecular consequence: missense variant. On other transcripts: non-coding transcript variant (1).
Genome position (GRCh38, 1-based): chr1:160,282,454, G>C on the plus strand (C>G on the coding strand, the complement: PEX19 is on the minus strand). VCF-style: chr1-160282454-G-C. GRCh37 (hg19) VCF-style: chr1-160252244-G-C.
Other names: c.395C>G, p.Thr132Arg (NM_001193644.1); short protein forms T132R.
Identifiers: ClinVar variation 2053889 (VCV002053889.4), dbSNP rs770134866, ClinGen allele CA343261571.
Genomic context (GRCh38, chr1:160,282,454, plus strand): 5'-GGCCCCTACTACTTTCTCCTCACCTGAAGGTCAGTGGCATTTTTGGCTAATCCACTTAGT[G>C]TTTCCTTTAGGCAAGAAGTGAATTCTTGTTGGGAGGTCATATCACTGCCTAGGAGAGATT-3'
Protein context (NP_002848.1, residues 122-142): QQEFTSCLKE[Thr132Arg]LSGLAKNATD